The following is an entry in ClinVar:

ClinVar aggregate classification (germline): Uncertain significance. Review status: criteria provided, multiple submitters, no conflicts (2 of 4 stars). 3 submissions from 3 submitters: Uncertain significance (3). Last evaluated 2026-01-22.

Conditions:
Primary ciliary dyskinesia. Also called: Ciliary dyskinesia. Identifiers: Orphanet 244, MedGen C0008780, MONDO:0016575, HP:0012265.

Allele frequency attached by ClinVar (database versions not stated): gnomAD 0.00025 and 0.00029; TOPMed 0.00022; gnomAD exomes 0.00042; ESP Exome Variant Server 0.00054; ExAC 0.00062.
gnomAD v4.1: 482 of 1,613,996 alleles (0.03%); highest among the groups gnomAD compares: Non-Finnish European, 0.036%; no homozygotes.

Submissions (3):

Labcorp Genetics (formerly Invitae), Labcorp
Classification: Uncertain significance for Primary ciliary dyskinesia. Last evaluated: 2026-01-22. Review status: criteria provided, single submitter. Criteria: Invitae Variant Classification Sherloc (09022015). Collection method: clinical testing. Allele origin: germline.
Comment: This sequence change replaces glutamic acid, which is acidic and polar, with glutamine, which is neutral and polar, at codon 467 of the DRC1 protein (p.Glu467Gln). This variant is present in population databases (rs149007147, gnomAD 0.09%), and has an allele count higher than expected for a pathogenic variant. This variant has not been reported in the literature in individuals affected with DRC1-related conditions. ClinVar contains an entry for this variant (Variation ID: 454980). An algorithm developed to predict the effect of missense changes on protein structure and function (PolyPhen-2) suggests that this variant is likely to be tolerated. Algorithms developed to predict the effect of sequence changes on RNA splicing suggest that this variant may create or strengthen a splice site. In summary, the available evidence is currently insufficient to determine the role of this variant in disease. Therefore, it has been classified as a Variant of Uncertain Significance.

Molecular Genetics McLendon Clinical Laboratories, University of North Carolina at Chapel Hill
Classification: Uncertain significance for Primary ciliary dyskinesia. Last evaluated: 2023-11-08. Review status: criteria provided, single submitter. Criteria: ACMG Guidelines, 2015. Collection method: clinical testing. Allele origin: germline.

CeGaT Center for Human Genetics Tuebingen
Classification: Uncertain significance. Last evaluated: 2021-06-01. Review status: criteria provided, single submitter. Criteria: CeGaT Center For Human Genetics Tuebingen Variant Classification Criteria Version 2. Collection method: clinical testing. Allele origin: germline. Affected: yes. Observed: 1 variant allele.

NM_145038.5(DRC1):c.1399G>C (p.Glu467Gln)

Gene: DRC1 (dynein regulatory complex subunit 1; plus strand). Cytogenetic location: 2p23.3.
Variant type: single nucleotide variant.
Coding change: c.1399G>C on transcript NM_145038.5 (MANE Select); coding-DNA position 1399, G replaced by C.
Protein change: p.Glu467Gln; replaces glutamic acid 467 with glutamine.
Molecular consequence: missense variant.
Genome position (GRCh38, 1-based): chr2:26,448,693, G>C. VCF-style: chr2-26448693-G-C. GRCh37 (hg19) VCF-style: chr2-26671561-G-C.
Other names: c.1399G>C (NM_145038.4); short protein forms E467Q.
Identifiers: ClinVar variation 454980 (VCV000454980.45), dbSNP rs149007147, ClinGen allele CA1562249.